The following is an entry in ClinVar:

NM_004385.5(VCAN):c.2750A>C (p.Tyr917Ser)

Gene: VCAN (versican; plus strand). Cytogenetic location: 5q14.3.
Variant type: single nucleotide variant.
Coding change: c.2750A>C on transcript NM_004385.5 (MANE Select); coding-DNA position 2750, A replaced by C.
Protein change: p.Tyr917Ser; replaces tyrosine 917 with serine.
Molecular consequence: missense variant. On other transcripts: intron variant (2).
Genome position (GRCh38, 1-based): chr5:83,521,056, A>C. VCF-style: chr5-83521056-A-C. GRCh37 (hg19) VCF-style: chr5-82816875-A-C.
Other names: c.2750A>C, p.Tyr917Ser (NM_001164098.2); c.1042+8660A>C (NM_001164097.2, NM_001126336.3); short protein forms Y917S.
Identifiers: ClinVar variation 1467468 (VCV001467468.8), dbSNP rs746327283, ClinGen allele CA360304609.

ClinVar aggregate classification (germline): Uncertain significance (1 of 4 stars; one submission).

Allele frequency attached by ClinVar (database versions not stated): gnomAD exomes below 0.00001; TOPMed below 0.00001; gnomAD 0.00001.
gnomAD v4.1: 34 of 1,614,004 alleles (0.0021%); highest among the groups gnomAD compares: Non-Finnish European, 0.0028%; no homozygotes.

Submission:

Labcorp Genetics (formerly Invitae), Labcorp
Classification: Uncertain significance. Last evaluated: 2024-10-25. Review status: criteria provided, single submitter. Criteria: Invitae Variant Classification Sherloc (09022015). Collection method: clinical testing. Allele origin: germline.
Comment: This sequence change replaces tyrosine, which is neutral and polar, with serine, which is neutral and polar, at codon 917 of the VCAN protein (p.Tyr917Ser). This variant is present in population databases (no rsID available, gnomAD 0.0009%). This variant has not been reported in the literature in individuals affected with VCAN-related conditions. ClinVar contains an entry for this variant (Variation ID: 1467468). An algorithm developed to predict the effect of missense changes on protein structure and function outputs the following: PolyPhen-2: "Benign". The serine amino acid residue is found in multiple mammalian species, which suggests that this missense change does not adversely affect protein function. In summary, the available evidence is currently insufficient to determine the role of this variant in disease. Therefore, it has been classified as a Variant of Uncertain Significance.